The following is an entry in ClinVar:

NM_000051.4(ATM):c.2905C>T (p.Leu969Phe)

Gene: ATM (ATM serine/threonine kinase; plus strand). Cytogenetic location: 11q22.3.
Variant type: single nucleotide variant.
Coding change: c.2905C>T on transcript NM_000051.4 (MANE Select); coding-DNA position 2905, C replaced by T.
Protein change: p.Leu969Phe; replaces leucine 969 with phenylalanine.
Molecular consequence: missense variant.
Genome position (GRCh38, 1-based): chr11:108,271,130, C>T. VCF-style: chr11-108271130-C-T. GRCh37 (hg19) VCF-style: chr11-108141857-C-T.
Other names: c.2905C>T, p.Leu969Phe (NM_001351834.2); short protein forms L969F.
Identifiers: ClinVar variation 3779364 (VCV003779364.1).
Genomic context (GRCh38, chr11:108,271,130, plus strand): 5'-ATGCTTTTAAAGGAGCTTCCTGGAGAAGAGTACCCCTTGCCAATGGAAGATGTTCTTGAA[C>T]TTCTGAAACCACTATCGTAAGAAATTAAAACCTTATGTTATGTTCACTTTAAAGTTATAA-3'
Protein context (NP_000042.3, residues 959-979): YPLPMEDVLE[Leu969Phe]LKPLSNVCSL

ClinVar aggregate classification (germline): Uncertain significance. Review status: criteria provided, multiple submitters, no conflicts (2 of 4 stars). 2 submissions from 2 submitters: Uncertain significance (2). Last evaluated 2025-01-24.

Conditions:
Hereditary cancer-predisposing syndrome. Also called: Tumor predisposition; Hereditary Cancer Syndrome; Neoplastic Syndromes, Hereditary; Hereditary neoplastic syndrome. Identifiers: Orphanet 140162, MedGen C0027672, MeSH D009386, MONDO:0015356.
Familial colorectal cancer type X. Identifiers: Orphanet 440437, MedGen C3896578, MONDO:0018604.

Submissions (2):

Ambry Genetics
Classification: Uncertain significance for Hereditary cancer-predisposing syndrome. Last evaluated: 2025-01-24. Review status: criteria provided, single submitter. Criteria: Ambry Variant Classification Scheme 2023. Collection method: clinical testing. Allele origin: germline.
Comment: The p.L969F variant (also known as c.2905C>T), located in coding exon 18 of the ATM gene, results from a C to T substitution at nucleotide position 2905. The leucine at codon 969 is replaced by phenylalanine, an amino acid with highly similar properties. This amino acid position is conserved. In addition, the in silico prediction for this alteration is inconclusive. Based on the available evidence, the clinical significance of this variant remains unclear.

Department of Pathology and Laboratory Medicine, Sinai Health System
Classification: Uncertain significance for Familial colorectal cancer type X. Last evaluated: 2022-05-05. Review status: criteria provided, single submitter. Criteria: ACMG Guidelines, 2015. Collection method: clinical testing. Allele origin: germline. Affected: yes.